The following is an entry in ClinVar:

NM_000057.4(BLM):c.3916G>A (p.Gly1306Ser)

Gene: BLM (BLM RecQ like helicase; plus strand). Cytogenetic location: 15q26.1.
Variant type: single nucleotide variant.
Coding change: c.3916G>A on transcript NM_000057.4 (MANE Select); coding-DNA position 3916, G replaced by A.
Protein change: p.Gly1306Ser; replaces glycine 1306 with serine.
Molecular consequence: missense variant.
Genome position (GRCh38, 1-based): chr15:90,811,246, G>A. VCF-style: chr15-90811246-G-A. GRCh37 (hg19) VCF-style: chr15-91354476-G-A.
Other names: c.3916G>A, p.Gly1306Ser (NM_001287246.2); c.3523G>A, p.Gly1175Ser (NM_001287247.2); c.2791G>A, p.Gly931Ser (NM_001287248.2); short protein forms G1175S, G931S, G1306S.
Identifiers: ClinVar variation 1736147 (VCV001736147.2), dbSNP rs2505566658, ClinGen allele CA393850579.
Genomic context (GRCh38, chr15:90,811,246, plus strand): 5'-CTGCATTTTCCATTTGTAGCTGAAGACAGTTCCCCAGGGATAAGCCTGTCCAGCAGCAGA[G>A]GCCCCGGAAGAAGTGCCGCTGAGGAGCTCGACGAGGAAATACCCGTATCTTCCCACTACT-3'
Protein context (NP_000048.1, residues 1296-1316): SPGISLSSSR[Gly1306Ser]PGRSAAEELD

ClinVar aggregate classification (germline): Uncertain significance (1 of 4 stars; one submission).

Conditions:
Hereditary cancer-predisposing syndrome. Also called: Neoplastic Syndromes, Hereditary; Tumor predisposition; Hereditary Cancer Syndrome; Hereditary neoplastic syndrome. Identifiers: Orphanet 140162, MedGen C0027672, MeSH D009386, MONDO:0015356.

Submission:

Ambry Genetics
Classification: Uncertain significance for Hereditary cancer-predisposing syndrome. Last evaluated: 2022-06-10. Review status: criteria provided, single submitter. Criteria: Ambry Variant Classification Scheme 2023. Collection method: clinical testing. Allele origin: germline.
Comment: The p.G1306S variant (also known as c.3916G>A), located in coding exon 20 of the BLM gene, results from a G to A substitution at nucleotide position 3916. The glycine at codon 1306 is replaced by serine, an amino acid with similar properties. This amino acid position is conserved. In addition, this alteration is predicted to be tolerated by in silico analysis. Since supporting evidence is limited at this time, the clinical significance of this alteration remains unclear.